The following is an entry in ClinVar:

ClinVar aggregate classification (germline): Likely pathogenic. Review status: criteria provided, single submitter (1 of 4 stars). 3 submissions from 3 submitters: Likely pathogenic (1). 2 of the submissions do not count toward it. Last evaluated 2020-09-30.

Conditions:
Autosomal recessive Alport syndrome (ATS2). Also called: ALPORT SYNDROME 2, AUTOSOMAL RECESSIVE; Alport syndrome type 2; COL4A3-Related Nephropathy; COL4A4 Alport Syndrome and Thin Basement Membrane Nephropathy. Identifiers: Orphanet 63, Orphanet 88919, MedGen C4746745, MONDO:0008762, OMIM 203780.
Alport syndrome. Also called: Hemorrhagic familial nephritis; Hemorrhagic hereditary nephritis; Congenital hereditary hematuria. Identifiers: Orphanet 63, MedGen C1567741, MONDO:0018965.

Allele frequency attached by ClinVar (database versions not stated): gnomAD exomes below 0.00001 and 0.00001; ExAC 0.00005.
gnomAD v4.1: 1 of 1,555,296 alleles (0.000064%); highest among the groups gnomAD compares: South Asian, 0.0012%; no homozygotes.

Submissions (3):

Labcorp Genetics (formerly Invitae), Labcorp
Classification: Likely pathogenic. Last evaluated: 2020-09-30. Review status: criteria provided, single submitter. Criteria: Invitae Variant Classification Sherloc (09022015). Collection method: clinical testing. Allele origin: germline.
Comment: This sequence change affects a donor splice site in intron 42 of the COL4A3 gene. It is expected to disrupt RNA splicing and likely results in an absent or disrupted protein product. This variant is present in population databases (rs781566652, ExAC 0.01%). This variant has been observed in individual(s) with clinical features of COL4A3-related conditions (invitae). ClinVar contains an entry for this variant (Variation ID: 555218). Algorithms developed to predict the effect of sequence changes on RNA splicing suggest that this variant may disrupt the consensus splice site, but this prediction has not been confirmed by published transcriptional studies. Donor and acceptor splice site variants typically lead to a loss of protein function (PMID: 16199547), and loss-of-function variants in COL4A3 are known to be pathogenic (PMID: 8956999, 24854265, 26809805, 27281700). In summary, the currently available evidence indicates that the variant is pathogenic, but additional data are needed to prove that conclusively. Therefore, this variant has been classified as Likely Pathogenic.

Natera, Inc.
Classification: Likely pathogenic for Alport syndrome. Last evaluated: 2020-09-14. Review status: no assertion criteria provided. Collection method: clinical testing. Allele origin: germline. Not counted in ClinVar's aggregate classification.

Counsyl
Classification: Likely pathogenic for Autosomal recessive Alport syndrome. Last evaluated: 2017-11-29. Review status: no assertion criteria provided. Collection method: clinical testing. Allele origin: unknown. Not counted in ClinVar's aggregate classification.

Literature cited by the submitters: PubMed 16199547 (cited by Labcorp Genetics (formerly Invitae), Labcorp); PubMed 8956999 (cited by Labcorp Genetics (formerly Invitae), Labcorp); PubMed 24854265 (cited by Labcorp Genetics (formerly Invitae), Labcorp); PubMed 26809805 (cited by Labcorp Genetics (formerly Invitae), Labcorp); PubMed 27281700 (cited by Labcorp Genetics (formerly Invitae), Labcorp).

NM_000091.5(COL4A3):c.3751+1G>A

Genes: MFF-DT (MFF divergent transcript; minus strand), COL4A3 (collagen type IV alpha 3 chain; plus strand). Cytogenetic location: 2q36.3.
Variant type: single nucleotide variant.
Coding change: c.3751+1G>A on transcript NM_000091.5 (MANE Select); the canonical splice donor site of the intron after coding-DNA position 3751, G replaced by A.
Molecular consequence: splice donor variant.
Genome position (GRCh38, 1-based): chr2:227,297,860, G>A. VCF-style: chr2-227297860-G-A. GRCh37 (hg19) VCF-style: chr2-228162576-G-A.
Identifiers: ClinVar variation 555218 (VCV000555218.12), dbSNP rs781566652, ClinGen allele CA2147334.